The following is an entry in ClinVar:

ClinVar aggregate classification (germline): Uncertain significance. Review status: criteria provided, multiple submitters, no conflicts (2 of 4 stars). 2 submissions from 2 submitters: Uncertain significance (2). Last evaluated 2024-04-23.

Allele frequency attached by ClinVar (database versions not stated): gnomAD exomes 0.00001; ExAC 0.00001.
gnomAD v4.1: 11 of 1,608,496 alleles (0.00068%); highest among the groups gnomAD compares: South Asian, 0.0011%; no homozygotes.

Submissions (2):

Ambry Genetics
Classification: Uncertain significance. Last evaluated: 2024-04-23. Review status: criteria provided, single submitter. Criteria: Ambry Variant Classification Scheme 2023. Collection method: clinical testing. Allele origin: germline.

Laboratorio de Genetica e Diagnostico Molecular, Hospital Israelita Albert Einstein
Classification: Uncertain significance. Last evaluated: 2021-11-11. Review status: criteria provided, single submitter. Criteria: ACMG Guidelines, 2015. Collection method: clinical testing. Allele origin: germline. Affected: yes.
Comment: ACMG classification criteria: BP4

NM_004715.5(CTDP1):c.1868G>A (p.Arg623His)

Gene: CTDP1 (CTD phosphatase subunit 1; plus strand). Cytogenetic location: 18q23.
Variant type: single nucleotide variant.
Coding change: c.1868G>A on transcript NM_004715.5 (MANE Select); coding-DNA position 1868, G replaced by A.
Protein change: p.Arg623His; replaces arginine 623 with histidine.
Molecular consequence: missense variant.
Genome position (GRCh38, 1-based): chr18:79,715,328, G>A. VCF-style: chr18-79715328-G-A. GRCh37 (hg19) VCF-style: chr18-77475328-G-A.
Other names: c.1511G>A, p.Arg504His (NM_001202504.1); c.1868G>A, p.Arg623His (NM_001318511.2, NM_048368.4); c.1868G>A (NM_004715.4); short protein forms R504H, R623H.
Identifiers: ClinVar variation 1690489 (VCV001690489.3), dbSNP rs769147755, ClinGen allele CA9010401.